The following is an entry in ClinVar:

ClinVar aggregate classification (germline): Uncertain significance (1 of 4 stars; one submission).

Conditions:
Cardiovascular phenotype. Identifiers: MedGen CN230736.
Hereditary cancer-predisposing syndrome. Also called: Neoplastic Syndromes, Hereditary; Tumor predisposition; Hereditary neoplastic syndrome; Hereditary Cancer Syndrome. Identifiers: Orphanet 140162, MedGen C0027672, MeSH D009386, MONDO:0015356.

Submission:

Ambry Genetics
Classification: Uncertain significance for Cardiovascular phenotype; Hereditary cancer-predisposing syndrome. Last evaluated: 2025-06-08. Review status: criteria provided, single submitter. Criteria: Ambry Variant Classification Scheme 2023. Collection method: clinical testing. Allele origin: germline.
Comment: The p.E1696K variant (also known as c.5086G>A), located in coding exon 36 of the NF1 gene, results from a G to A substitution at nucleotide position 5086. The glutamic acid at codon 1696 is replaced by lysine, an amino acid with similar properties. This amino acid position is conserved. In addition, the in silico prediction for this alteration is inconclusive. Based on the available evidence, the clinical significance of this variant remains unclear.

NM_001042492.3(NF1):c.5149G>A (p.Glu1717Lys)

Gene: NF1 (neurofibromin 1; plus strand). Cytogenetic location: 17q11.2.
Variant type: single nucleotide variant.
Coding change: c.5149G>A on transcript NM_001042492.3 (MANE Select); coding-DNA position 5149, G replaced by A.
Protein change: p.Glu1717Lys; replaces glutamic acid 1717 with lysine.
Molecular consequence: missense variant.
Genome position (GRCh38, 1-based): chr17:31,326,133, G>A. VCF-style: chr17-31326133-G-A. GRCh37 (hg19) VCF-style: chr17-29653151-G-A.
Other names: c.5086G>A, p.Glu1696Lys (NM_000267.4); short protein forms E1696K, E1717K.
Identifiers: ClinVar variation 4037250 (VCV004037250.1).